The following is an entry in ClinVar:

ClinVar aggregate classification (germline): Uncertain significance. Review status: criteria provided, multiple submitters, no conflicts (2 of 4 stars). 2 submissions from 2 submitters: Uncertain significance (2). Last evaluated 2025-04-24.

Conditions:
Niemann-Pick disease, type C1. Also called: NIEMANN-PICK DISEASE, VARIANT TYPE C1; NEUROVISCERAL STORAGE DISEASE WITH VERTICAL SUPRANUCLEAR OPHTHALMOPLEGIA; NIEMANN-PICK DISEASE WITH CHOLESTEROL ESTERIFICATION BLOCK; NIEMANN-PICK DISEASE WITHOUT SPHINGOMYELINASE DEFICIENCY; NIEMANN-PICK DISEASE, CHRONIC NEURONOPATHIC FORM. Identifiers: Orphanet 646, MedGen C3179455, MONDO:0009757, OMIM 257220.
NPC1-related disorder. Also called: NPC1-related condition.

Allele frequency attached by ClinVar (database versions not stated): gnomAD exomes below 0.00001; ExAC 0.00001; gnomAD 0.00001; TOPMed 0.00001; ESP Exome Variant Server 0.00008.
gnomAD v4.1: 8 of 1,612,870 alleles (0.0005%); highest among the groups gnomAD compares: African/African-American, 0.0013%; no homozygotes.

Submissions (2):

PreventionGenetics, part of Exact Sciences
Classification: Uncertain significance for NPC1-related condition. Last evaluated: 2025-04-24. Review status: criteria provided, single submitter. Criteria: ACMG Guidelines, 2015. Collection method: clinical testing. Allele origin: germline.
Comment: The NPC1 c.3577C>T variant is predicted to result in the amino acid substitution p.His1193Tyr. To our knowledge, this variant has not been reported in the literature. This variant is reported in 0.00088% of alleles in individuals of European (Non-Finnish) descent in gnomAD. At this time, the clinical significance of this variant is uncertain due to the absence of conclusive functional and genetic evidence.

Labcorp Genetics (formerly Invitae), Labcorp
Classification: Uncertain significance for Niemann-Pick disease, type C1. Last evaluated: 2024-10-22. Review status: criteria provided, single submitter. Criteria: Invitae Variant Classification Sherloc (09022015). Collection method: clinical testing. Allele origin: germline.
Comment: This sequence change replaces histidine, which is basic and polar, with tyrosine, which is neutral and polar, at codon 1193 of the NPC1 protein (p.His1193Tyr). This variant is present in population databases (rs375309094, gnomAD 0.0009%). This variant has not been reported in the literature in individuals affected with NPC1-related conditions. ClinVar contains an entry for this variant (Variation ID: 1410270). Invitae Evidence Modeling of protein sequence and biophysical properties (such as structural, functional, and spatial information, amino acid conservation, physicochemical variation, residue mobility, and thermodynamic stability) has been performed for this missense variant. However, the output from this modeling did not meet the statistical confidence thresholds required to predict the impact of this variant on NPC1 protein function. In summary, the available evidence is currently insufficient to determine the role of this variant in disease. Therefore, it has been classified as a Variant of Uncertain Significance.

NM_000271.5(NPC1):c.3577C>T (p.His1193Tyr)

Gene: NPC1 (NPC intracellular cholesterol transporter 1; minus strand). Cytogenetic location: 18q11.2.
Variant type: single nucleotide variant.
Coding change: c.3577C>T on transcript NM_000271.5 (MANE Select); coding-DNA position 3577, C replaced by T.
Protein change: p.His1193Tyr; replaces histidine 1193 with tyrosine.
Molecular consequence: missense variant.
Genome position (GRCh38, 1-based): chr18:23,534,460, G>A on the plus strand (C>T on the coding strand, the complement: NPC1 is on the minus strand). VCF-style: chr18-23534460-G-A. GRCh37 (hg19) VCF-style: chr18-21114424-G-A.
Other names: c.3577C>T (NM_000271.4); short protein forms H1193Y.
Identifiers: ClinVar variation 1410270 (VCV001410270.6), dbSNP rs375309094, ClinGen allele CA8912721.